The following is an entry in ClinVar:

NM_000089.4(COL1A2):c.2200C>G (p.Gln734Glu)

Gene: COL1A2 (collagen type I alpha 2 chain; plus strand). Cytogenetic location: 7q21.3.
Variant type: single nucleotide variant.
Coding change: c.2200C>G on transcript NM_000089.4 (MANE Select); coding-DNA position 2200, C replaced by G.
Protein change: p.Gln734Glu; replaces glutamine 734 with glutamic acid.
Molecular consequence: missense variant.
Genome position (GRCh38, 1-based): chr7:94,420,553, C>G. VCF-style: chr7-94420553-C-G. GRCh37 (hg19) VCF-style: chr7-94049865-C-G.
Other names: short protein forms Q734E.
Identifiers: ClinVar variation 1405501 (VCV001405501.7), dbSNP rs774919512, ClinGen allele CA4347360.

ClinVar aggregate classification (germline): Uncertain significance. Review status: criteria provided, multiple submitters, no conflicts (2 of 4 stars). 2 submissions from 2 submitters: Uncertain significance (2). Last evaluated 2025-11-23.

Conditions:
Ehlers-Danlos syndrome, classic type, 1 (EDSCL1). Also called: EHLERS-DANLOS SYNDROME, GRAVIS TYPE; EHLERS-DANLOS SYNDROME, SEVERE CLASSIC TYPE; Ehlers-Danlos syndrome, type 1; Ehlers-Danlos Syndrome, Classic Type, COL5A1-Related; EDS I. Identifiers: MedGen C0268335, MONDO:0019567, OMIM 130000.
Osteogenesis imperfecta type I (OI1). Also called: OI, TYPE I; OSTEOGENESIS IMPERFECTA TARDA; OSTEOGENESIS IMPERFECTA WITH BLUE SCLERAE; Osteogenesis imperfecta type 1; Lobstein's Disease; Lobstein disease. Identifiers: Orphanet 216796, Orphanet 666, MedGen C0023931, MONDO:0008146, OMIM 166200. Disease mechanism: loss of function.

Allele frequency attached by ClinVar (database versions not stated): gnomAD exomes 0.00001; TOPMed below 0.00001; ExAC 0.00001.
gnomAD v4.1: 8 of 1,613,974 alleles (0.0005%); highest among the groups gnomAD compares: Non-Finnish European, 0.00059%; no homozygotes.

Submissions (2):

Labcorp Genetics (formerly Invitae), Labcorp
Classification: Uncertain significance for Osteogenesis imperfecta type I; Ehlers-Danlos syndrome, classic type, 1. Last evaluated: 2025-11-23. Review status: criteria provided, single submitter. Criteria: Invitae Variant Classification Sherloc (09022015). Collection method: clinical testing. Allele origin: germline.
Comment: This sequence change replaces glutamine, which is neutral and polar, with glutamic acid, which is acidic and polar, at codon 734 of the COL1A2 protein (p.Gln734Glu). This variant is present in population databases (rs774919512, gnomAD no frequency). This variant has not been reported in the literature in individuals affected with COL1A2-related conditions. ClinVar contains an entry for this variant (Variation ID: 1405501). Invitae Evidence Modeling of protein sequence and biophysical properties (such as structural, functional, and spatial information, amino acid conservation, physicochemical variation, residue mobility, and thermodynamic stability) indicates that this missense variant is not expected to disrupt COL1A2 protein function with a negative predictive value of 95%. In summary, the available evidence is currently insufficient to determine the role of this variant in disease. Therefore, it has been classified as a Variant of Uncertain Significance.

ARUP Laboratories, Molecular Genetics and Genomics, ARUP Laboratories
Classification: Uncertain significance. Last evaluated: 2024-12-20. Review status: criteria provided, single submitter. Criteria: ARUP Molecular Germline Variant Investigation Process 2024. Collection method: clinical testing. Allele origin: germline.
Comment: The COL1A2 c.2200C>G; p.Gln734Glu variant (rs774919512), to our knowledge, is not reported in the medical literature but is reported in ClinVar (Variation ID: 1405501). This variant is found in the general population with an overall allele frequency of 0.00080% (2/251036 alleles) in the Genome Aggregation Database (v2.1.1). Computational analyses are uncertain whether this variant is neutral or deleterious (REVEL: 0.465). Due to limited information, the clinical significance of this variant is uncertain at this time.